The following is an entry in ClinVar:

ClinVar aggregate classification (germline): Uncertain significance. Review status: criteria provided, multiple submitters, no conflicts (2 of 4 stars). 3 submissions from 3 submitters: Uncertain significance (3). Last evaluated 2025-04-10.

Conditions:
Short-rib thoracic dysplasia 10 with or without polydactyly (SRTD10). Identifiers: Orphanet 474, MedGen C3810175, MONDO:0014284, OMIM 615630.
Bardet-Biedl syndrome 20. Identifiers: MedGen C4310707, MONDO:0023670, OMIM 619471, MONDO:0014926.
Retinitis pigmentosa 71 (RP71). Identifiers: Orphanet 791, MedGen C4225342, MONDO:0014618, OMIM 616394.
IFT172-related disorder. Also called: IFT172-related disorders; IFT172-related condition.

gnomAD v4.1: 15 of 1,611,946 alleles (0.00093%); highest among the groups gnomAD compares: Non-Finnish European, 0.0013%; no homozygotes.

Submissions (3):

PreventionGenetics, part of Exact Sciences
Classification: Uncertain significance for IFT172-related condition. Last evaluated: 2025-04-10. Review status: criteria provided, single submitter. Criteria: ACMG Guidelines, 2015. Collection method: clinical testing. Allele origin: germline.
Comment: The IFT172 c.2537G>T variant is predicted to result in the amino acid substitution p.Arg846Leu. To our knowledge, this variant has not been reported in the literature or in a large population database (gnomAD), indicating that it is rare. At this time, the clinical significance of this variant is uncertain due to the absence of conclusive functional and genetic evidence.

Fulgent Genetics
Classification: Uncertain significance for Short-rib thoracic dysplasia 10 with or without polydactyly; Retinitis pigmentosa 71; Bardet-Biedl syndrome 20. Last evaluated: 2024-01-18. Review status: criteria provided, single submitter. Criteria: ACMG Guidelines, 2015. Collection method: clinical testing. Allele origin: germline.

Blueprint Genetics
Classification: Uncertain significance. Last evaluated: 2023-09-25. Review status: criteria provided, single submitter. Criteria: ACMG Guidelines, 2015. Collection method: clinical testing. Allele origin: germline.

NM_015662.3(IFT172):c.2537G>T (p.Arg846Leu)

Genes: IFT172 (intraflagellar transport 172; minus strand), LOC126806174 (CDK7 strongly-dependent group 2 enhancer GRCh37_chr2:27681686-27682885; plus strand). Cytogenetic location: 2p23.3.
Variant type: single nucleotide variant.
Coding change: c.2537G>T on transcript NM_015662.3 (MANE Select); coding-DNA position 2537, G replaced by T.
Protein change: p.Arg846Leu; replaces arginine 846 with leucine.
Molecular consequence: missense variant.
Genome position (GRCh38, 1-based): chr2:27,459,814, C>A on the plus strand (G>T on the coding strand, the complement: IFT172 is on the minus strand). VCF-style: chr2-27459814-C-A. GRCh37 (hg19) VCF-style: chr2-27682681-C-A.
Other names: c.2537G>T (NM_015662.2); c.2471G>T, p.Arg824Leu (NM_001410739.1); short protein forms R846L, R824L.
Identifiers: ClinVar variation 3586325 (VCV003586325.3).